The following is an entry in ClinVar:

ClinVar aggregate classification (germline): Uncertain significance (1 of 4 stars; one submission).

Allele frequency attached by ClinVar (database versions not stated): gnomAD exomes below 0.00001.
gnomAD v4.1: 3 of 1,614,146 alleles (0.00019%); highest among the groups gnomAD compares: Non-Finnish European, 0.00017%; no homozygotes.

Submission:

Labcorp Genetics (formerly Invitae), Labcorp
Classification: Uncertain significance. Last evaluated: 2023-06-28. Review status: criteria provided, single submitter. Criteria: Invitae Variant Classification Sherloc (09022015). Collection method: clinical testing. Allele origin: germline.
Comment: This sequence change replaces glutamine, which is neutral and polar, with histidine, which is basic and polar, at codon 778 of the DUOX2 protein (p.Gln778His). This variant also falls at the last nucleotide of exon 18, which is part of the consensus splice site for this exon. This variant is not present in population databases (gnomAD no frequency). In summary, the available evidence is currently insufficient to determine the role of this variant in disease. Therefore, it has been classified as a Variant of Uncertain Significance. Variants that disrupt the consensus splice site are a relatively common cause of aberrant splicing (PMID: 17576681, 9536098). Algorithms developed to predict the effect of sequence changes on RNA splicing suggest that this variant may disrupt the consensus splice site. An algorithm developed to predict the effect of missense changes on protein structure and function (PolyPhen-2) suggests that this variant is likely to be disruptive. This variant has not been reported in the literature in individuals affected with DUOX2-related conditions.

Literature cited by the submitters: PubMed 17576681; PubMed 9536098.

NM_001363711.2(DUOX2):c.2334G>C (p.Gln778His)

Gene: DUOX2 (dual oxidase 2; minus strand). Cytogenetic location: 15q21.1.
Variant type: single nucleotide variant.
Coding change: c.2334G>C on transcript NM_001363711.2 (MANE Select); coding-DNA position 2334, G replaced by C.
Protein change: p.Gln778His; replaces glutamine 778 with histidine.
Molecular consequence: missense variant.
Genome position (GRCh38, 1-based): chr15:45,105,643, C>G on the plus strand (G>C on the coding strand, the complement: DUOX2 is on the minus strand). VCF-style: chr15-45105643-C-G. GRCh37 (hg19) VCF-style: chr15-45397841-C-G.
Other names: c.2334G>C, p.Gln778His (NM_014080.5); short protein forms Q778H.
Identifiers: ClinVar variation 2794158 (VCV002794158.3), dbSNP rs2504764421, ClinGen allele CA392269944.
Genomic context (GRCh38, chr15:45,105,643, plus strand): 5'-GCCCAGGTTTCCTCCATTTCTGGGGCTGGACCCATCTCCAAAAGGCACAGGTCATGGCAC[C>G]TGAGCAAAAAGGTGTCTGAAGAAGATCTCCAGGATGCGTTCCCGCTGCTGCTTTGTCACA-3'
Protein context (NP_001350640.1, residues 768-788): LEIFFRHLFA[Gln778His]VLDINQADAG